The following is an entry in ClinVar:

ClinVar aggregate classification (germline): Pathogenic/Likely pathogenic. Review status: criteria provided, multiple submitters, no conflicts (2 of 4 stars). 2 submissions from 2 submitters: Pathogenic (1); Likely pathogenic (1). Last evaluated 2025-02-06.

Conditions:
Spondyloepiphyseal dysplasia with congenital joint dislocations (SEDCJD). Also called: Chondrodysplasia with Congenital Joint Dislocations, CHST3-Related. Identifiers: Orphanet 263463, MedGen C1837657, MONDO:0007738, OMIM 143095.

Submissions (2):

Labcorp Genetics (formerly Invitae), Labcorp
Classification: Pathogenic for Spondyloepiphyseal dysplasia with congenital joint dislocations. Last evaluated: 2025-02-06. Review status: criteria provided, single submitter. Criteria: Invitae Variant Classification Sherloc (09022015). Collection method: clinical testing. Allele origin: germline.
Comment: This sequence change creates a premature translational stop signal (p.Ala127Thrfs*194) in the CHST3 gene. While this is not anticipated to result in nonsense mediated decay, it is expected to disrupt the last 353 amino acid(s) of the CHST3 protein. This variant is not present in population databases (gnomAD no frequency). This variant has not been reported in the literature in individuals affected with CHST3-related conditions. ClinVar contains an entry for this variant (Variation ID: 2028477). This variant disrupts a region of the CHST3 protein in which other variant(s) (p.Leu286Trpfs*48) have been determined to be pathogenic (internal data). This suggests that this is a clinically significant region of the protein, and that variants that disrupt it are likely to be disease-causing. For these reasons, this variant has been classified as Pathogenic.

GeneDx
Classification: Likely pathogenic. Last evaluated: 2024-12-10. Review status: criteria provided, single submitter. Criteria: GeneDx Variant Classification Process June 2021. Collection method: clinical testing. Allele origin: germline. Affected: yes.
Comment: Frameshift variant predicted to result in abnormal protein length as the last 353 amino acid(s) are replaced with 193 different amino acid(s), and other similar variants have been reported in HGMD; Not observed at significant frequency in large population cohorts (gnomAD); Has not been previously published as pathogenic or benign to our knowledge

NM_004273.5(CHST3):c.375_378dup (p.Ala127fs)

Gene: CHST3 (carbohydrate sulfotransferase 3; plus strand). Cytogenetic location: 10q22.1.
Variant type: Duplication.
Coding change: c.375_378dup on transcript NM_004273.5 (MANE Select); coding-DNA positions 375 to 378, 4 bases duplicated (ACCG; older notation c.375_378dupACCG).
Protein change: p.Ala127fs; shifts the reading frame from alanine 127.
Molecular consequence: frameshift variant.
Genome position (GRCh38, 1-based): chr10:72,007,406-72,007,409, ACCG duplicated; duplicating any 4 consecutive bases within chr10:72,007,405-72,007,409 gives the same sequence; the c. name uses the placement nearest the transcript's 3' end. VCF-style (leftmost placement, unchanged base first): chr10-72007404-A-AGACC. GRCh37 (hg19) VCF-style: chr10-73767162-A-AGACC.
Other names: c.375_378dup (NM_004273.4); short protein forms A127fs.
Identifiers: ClinVar variation 2028477 (VCV002028477.5), dbSNP rs2494768200, ClinGen allele CA2580081864.
Genomic context (GRCh38, chr10:72,007,404, plus strand): 5'-CCAGCCATGGAGGCCGCAGGGGAGGAAGAGGAAGAGCAGAGAAAGGAGGAGGAGCCGCCC[A>AGACC]GACCGGCCGTGGCGGGGCCCCGGCGCCACGTGCTGCTCATGGCCACCACGCGCACCGGCT-3'